The following is an entry in ClinVar:

NM_019851.3(FGF20):c.267G>C (p.Arg89=)

Gene: FGF20 (fibroblast growth factor 20; minus strand). Cytogenetic location: 8p22.
Variant type: single nucleotide variant.
Coding change: c.267G>C on transcript NM_019851.3 (MANE Select); coding-DNA position 267, G replaced by C.
Protein change: p.Arg89=; no amino-acid change (arginine 89 retained).
Molecular consequence: synonymous variant.
Genome position (GRCh38, 1-based): chr8:17,001,766, C>G on the plus strand (G>C on the coding strand, the complement: FGF20 is on the minus strand). VCF-style: chr8-17001766-C-G. GRCh37 (hg19) VCF-style: chr8-16859275-C-G.
Identifiers: ClinVar variation 3033970 (VCV003033970.2), dbSNP rs1258624500, ClinGen allele CA459634890.
Genomic context (GRCh38, chr8:17,001,766, plus strand): 5'-TGGGGCGCAGATGGGGGTGGGGTCGGGATGCTAGTACGTACCGAAGAGGCTGTGGTCCTG[C>G]CGGGTGCCCTGCACGCTGCCGTCGGGCAGGATCTGCAGGTGGAAGCCGGTGCGGCAATAG-3'
Protein context (NP_062825.1, residues 79-99): ILPDGSVQGT[Arg89=]QDHSLFGILE

ClinVar aggregate classification (germline): Likely benign (0 of 4 stars; one submission).

Conditions:
FGF20-related disorder. Also called: FGF20-related condition.

Submission:

PreventionGenetics, part of Exact Sciences
Classification: Likely benign for FGF20-related condition. Last evaluated: 2021-10-04. Review status: no assertion criteria provided. Collection method: clinical testing. Allele origin: germline.
Comment: This variant is classified as likely benign based on ACMG/AMP sequence variant interpretation guidelines (Richards et al. 2015 PMID: 25741868, with internal and published modifications).